The following is an entry in ClinVar:

ClinVar aggregate classification (germline): Uncertain significance (1 of 4 stars; one submission).

Conditions:
Retinitis pigmentosa 12 (RP12). Also called: RP WITH OR WITHOUT PPRPE; RP WITH OR WITHOUT PRESERVED PARAARTERIOLE RETINAL PIGMENT EPITHELIUM; RETINITIS PIGMENTOSA WITH OR WITHOUT PARAARTERIOLAR PRESERVATION OF RETINAL PIGMENT EPITHELIUM. Identifiers: Orphanet 791, MedGen C1838647, MONDO:0010818, OMIM 600105.
Leber congenital amaurosis 8 (LCA8). Identifiers: Orphanet 65, MedGen C3151202, MONDO:0013453, OMIM 613835.

Allele frequency attached by ClinVar (database versions not stated): gnomAD exomes below 0.00001.
gnomAD v4.1: 1 of 1,613,992 alleles (0.000062%); highest among the groups gnomAD compares: Non-Finnish European, 0.000085%; no homozygotes.

Submission:

Labcorp Genetics (formerly Invitae), Labcorp
Classification: Uncertain significance for Leber congenital amaurosis 8; Retinitis pigmentosa 12. Last evaluated: 2021-07-30. Review status: criteria provided, single submitter. Criteria: Invitae Variant Classification Sherloc (09022015). Collection method: clinical testing. Allele origin: germline.
Comment: This sequence change replaces isoleucine with asparagine at codon 763 of the CRB1 protein (p.Ile763Asn). The isoleucine residue is moderately conserved and there is a large physicochemical difference between isoleucine and asparagine. This variant is not present in population databases (ExAC no frequency). This variant has not been reported in the literature in individuals affected with CRB1-related conditions. Advanced modeling of protein sequence and biophysical properties (such as structural, functional, and spatial information, amino acid conservation, physicochemical variation, residue mobility, and thermodynamic stability) performed at Invitae indicates that this missense variant is expected to disrupt CRB1 protein function. In summary, the available evidence is currently insufficient to determine the role of this variant in disease. Therefore, it has been classified as a Variant of Uncertain Significance.

NM_201253.3(CRB1):c.2288T>A (p.Ile763Asn)

Gene: CRB1 (crumbs cell polarity complex component 1; plus strand). Cytogenetic location: 1q31.3.
Variant type: single nucleotide variant.
Coding change: c.2288T>A on transcript NM_201253.3 (MANE Select); coding-DNA position 2288, T replaced by A.
Protein change: p.Ile763Asn; replaces isoleucine 763 with asparagine.
Molecular consequence: missense variant. On other transcripts: non-coding transcript variant (2), intron variant (1).
Genome position (GRCh38, 1-based): chr1:197,427,613, T>A. VCF-style: chr1-197427613-T-A. GRCh37 (hg19) VCF-style: chr1-197396743-T-A.
Other names: c.1952T>A, p.Ile651Asn (NM_001193640.2); c.2081T>A, p.Ile694Asn (NM_001257965.2); c.2128+5657T>A (NM_001257966.2); short protein forms I763N, I651N, I694N.
Identifiers: ClinVar variation 1370732 (VCV001370732.6), dbSNP rs2125484063, ClinGen allele CA344036906.
Genomic context (GRCh38, chr1:197,427,613, plus strand): 5'-TCCGAACGCTTCAACCATCAGGCTTACTTCTAGCTTTGGAAAACAGCACTTATCAATATA[T>A]CCGTGTCTGGCTAGAGCGCGGCAGACTAGCAATGCTGACTCCAAACTCTCCCAAATTAGT-3'
Protein context (NP_957705.1, residues 753-773): LALENSTYQY[Ile763Asn]RVWLERGRLA